The following is an entry in ClinVar:

NM_000138.5(FBN1):c.1510T>A (p.Cys504Ser)

Gene: FBN1 (fibrillin 1; minus strand). Cytogenetic location: 15q21.1.
Variant type: single nucleotide variant.
Coding change: c.1510T>A on transcript NM_000138.5 (MANE Select); coding-DNA position 1510, T replaced by A.
Protein change: p.Cys504Ser; replaces cysteine 504 with serine.
Molecular consequence: missense variant.
Genome position (GRCh38, 1-based): chr15:48,513,627, A>T on the plus strand (T>A on the coding strand, the complement: FBN1 is on the minus strand). VCF-style: chr15-48513627-A-T. GRCh37 (hg19) VCF-style: chr15-48805824-A-T.
Other names: short protein forms C504S.
Identifiers: ClinVar variation 653004 (VCV000653004.10), dbSNP rs1555400288, ClinGen allele CA392342618.

ClinVar aggregate classification (germline): Pathogenic (1 of 4 stars; one submission).

Conditions:
Familial thoracic aortic aneurysm and aortic dissection (TAAD). Also called: Thoracic aortic aneurysms and dissections. Identifiers: Orphanet 91387, MedGen C4707243, MONDO:0019625.
Marfan syndrome (MFS). Also called: FBN1-Related Marfan Syndrome; Marfan syndrome type 1; Marfan's syndrome; Marfan syndrome, classic; MARFAN SYNDROME, TYPE I. Identifiers: Orphanet 284963, Orphanet 558, MedGen C0024796, MONDO:0007947, OMIM 154700.

Submission:

Labcorp Genetics (formerly Invitae), Labcorp
Classification: Pathogenic for Marfan syndrome; Familial thoracic aortic aneurysm and aortic dissection. Last evaluated: 2019-03-07. Review status: criteria provided, single submitter. Criteria: Invitae Variant Classification Sherloc (09022015). Collection method: clinical testing. Allele origin: germline.
Comment: This sequence change replaces cysteine with serine at codon 504 of the FBN1 protein (p.Cys504Ser). The cysteine residue is highly conserved and there is a moderate physicochemical difference between cysteine and serine. This variant is not present in population databases (ExAC no frequency). This variant has not been reported in the literature in individuals with FBN1-related conditions. This variant affects a cysteine residue in the EGF-like, TGFBP or hybrid motif domains of FBN1. Cysteine residues are believed to be involved in intramolecular disulfide bridges and have been shown to be important for FBN1 protein structure (PMID: 16905551, 19349279). In addition, missense substitutions affecting cysteine residues within these domains are significantly overrepresented among patients with Marfan syndrome (PMID: 16571647, 17701892). This variant disrupts the p.Cys504 amino acid residue in FBN1. Other variant(s) that disrupt this residue have been observed in individuals with FBN1-related conditions (PMID: 17657824, 10425041, 17627385), suggesting that it is a clinically significant residue. As a result, variants that disrupt this residue are likely to be causative of disease. For these reasons, this variant has been classified as Pathogenic.

Literature cited by the submitters: PubMed 16905551; PubMed 19349279; PubMed 16571647; PubMed 17701892; PubMed 17657824; PubMed 10425041; PubMed 17627385.